The following is an entry in ClinVar:

NM_152443.3(RDH12):c.530C>T (p.Ala177Val)

Genes: RDH12 (retinol dehydrogenase 12; plus strand), GPHN (gephyrin; plus strand). Cytogenetic location: 14q24.1.
Variant type: single nucleotide variant.
Coding change: c.530C>T on transcript NM_152443.3 (MANE Select); coding-DNA position 530, C replaced by T.
Protein change: p.Ala177Val; replaces alanine 177 with valine.
Molecular consequence: missense variant.
Genome position (GRCh38, 1-based): chr14:67,727,062, C>T. VCF-style: chr14-67727062-C-T. GRCh37 (hg19) VCF-style: chr14-68193779-C-T.
Other names: short protein forms A177V.
Identifiers: ClinVar variation 1284500 (VCV001284500.5), dbSNP rs373032226, ClinGen allele CA7238742.
Genomic context (GRCh38, chr14:67,727,062, plus strand): 5'-TGCTCCTGGAGCGGCTAAAGGTGTCTGCCCCTGCACGGGTGGTTAATGTGTCCTCGGTGG[C>T]TCACCACATTGGCAAGATTCCCTTCCACGACCTCCAGAGCGAGAAGCGCTACAGCAGGGG-3'
Protein context (NP_689656.2, residues 167-187): PARVVNVSSV[Ala177Val]HHIGKIPFHD

ClinVar aggregate classification (germline): Uncertain significance. Review status: criteria provided, single submitter (1 of 4 stars). 3 submissions from 3 submitters: Uncertain significance (1). 2 of the submissions do not count toward it. Last evaluated 2022-08-22.

Conditions:
Leber congenital amaurosis 13 (LCA13). Identifiers: MedGen C2675186, MONDO:0012990, OMIM 612712.

Allele frequency attached by ClinVar (database versions not stated): gnomAD 0.00002 and 0.00003; TOPMed 0.00004; ExAC 0.00005; gnomAD exomes 0.00010.
gnomAD v4.1: 41 of 1,614,082 alleles (0.0025%); highest among the groups gnomAD compares: East Asian, 0.058%; no homozygotes.

Submissions (3):

Labcorp Genetics (formerly Invitae), Labcorp
Classification: Uncertain significance for Leber congenital amaurosis 13. Last evaluated: 2022-08-22. Review status: criteria provided, single submitter. Criteria: Invitae Variant Classification Sherloc (09022015). Collection method: clinical testing. Allele origin: germline.
Comment: This sequence change replaces alanine, which is neutral and non-polar, with valine, which is neutral and non-polar, at codon 177 of the RDH12 protein (p.Ala177Val). This variant is present in population databases (rs373032226, gnomAD 0.1%). This missense change has been observed in individual(s) with cone-rod dystrophies (PMID: 17512964). ClinVar contains an entry for this variant (Variation ID: 1284500). Algorithms developed to predict the effect of missense changes on protein structure and function output the following: SIFT: "Tolerated"; PolyPhen-2: "Benign"; Align-GVGD: "Class C0". The valine amino acid residue is found in multiple mammalian species, which suggests that this missense change does not adversely affect protein function. Experimental studies have shown that this missense change does not substantially affect RDH12 function (PMID: 17512964). In summary, the available evidence is currently insufficient to determine the role of this variant in disease. Therefore, it has been classified as a Variant of Uncertain Significance.

Clinical Genetics DNA and cytogenetics Diagnostics Lab, Erasmus MC, Erasmus Medical Center
Classification: Likely benign. Review status: no assertion criteria provided. Collection method: clinical testing. Allele origin: germline. Affected: yes. Study: VKGL Data-share Consensus. Not counted in ClinVar's aggregate classification.

Clinical Genetics, Academic Medical Center
Classification: Likely benign. Review status: no assertion criteria provided. Collection method: clinical testing. Allele origin: germline. Affected: yes. Study: VKGL Data-share Consensus. Not counted in ClinVar's aggregate classification.

Literature cited by the submitters: PubMed 17512964 (cited by Labcorp Genetics (formerly Invitae), Labcorp).